The following is an entry in ClinVar:

ClinVar aggregate classification (germline): Pathogenic/Likely pathogenic. Review status: criteria provided, multiple submitters, no conflicts (2 of 4 stars). 4 submissions from 4 submitters: Pathogenic (1); Likely pathogenic (2). 1 of the submissions does not count toward it. Last evaluated 2025-11-25.

Conditions:
Hereditary cancer-predisposing syndrome. Also called: Tumor predisposition; Hereditary Cancer Syndrome; Neoplastic Syndromes, Hereditary; Hereditary neoplastic syndrome. Identifiers: Orphanet 140162, MedGen C0027672, MeSH D009386, MONDO:0015356.
Cardiovascular phenotype. Identifiers: MedGen CN230736.
Neurofibromatosis, type 1 (NF1). Also called: Peripheral type neurofibromatosis; VON RECKLINGHAUSEN DISEASE; NEUROFIBROMATOSIS, TYPE I, SOMATIC; Neurofibromatosis, type I. Identifiers: Orphanet 636, MedGen C0027831, MONDO:0018975, OMIM 162200. Disease mechanism: loss of function.

Submissions (4):

Labcorp Genetics (formerly Invitae), Labcorp
Classification: Pathogenic for Neurofibromatosis, type 1. Last evaluated: 2025-11-25. Review status: criteria provided, single submitter. Criteria: Invitae Variant Classification Sherloc (09022015). Collection method: clinical testing. Allele origin: germline.
Comment: This sequence change replaces leucine, which is neutral and non-polar, with arginine, which is basic and polar, at codon 578 of the NF1 protein (p.Leu578Arg). This variant is not present in population databases (gnomAD no frequency). This missense change has been observed in individual(s) with neurofibromatosis type I (PMID: 12746402; internal data). ClinVar contains an entry for this variant (Variation ID: 68304). Invitae Evidence Modeling of protein sequence and biophysical properties (such as structural, functional, and spatial information, amino acid conservation, physicochemical variation, residue mobility, and thermodynamic stability) indicates that this missense variant is expected to disrupt NF1 protein function with a positive predictive value of 95%. This variant disrupts the p.Leu578 amino acid residue in NF1. Other variant(s) that disrupt this residue have been determined to be pathogenic (PMID: 16479075, 17426081; internal data). This suggests that this residue is clinically significant, and that variants that disrupt this residue are likely to be disease-causing. For these reasons, this variant has been classified as Pathogenic.

Ambry Genetics
Classification: Likely pathogenic for Cardiovascular phenotype; Hereditary cancer-predisposing syndrome. Last evaluated: 2023-07-13. Review status: criteria provided, single submitter. Criteria: Ambry Variant Classification Scheme 2023. Collection method: clinical testing. Allele origin: germline.
Comment: The p.L578R variant (also known as c.1733T>G), located in coding exon 16 of the NF1 gene, results from a T to G substitution at nucleotide position 1733. The leucine at codon 578 is replaced by arginine, an amino acid with dissimilar properties. This alteration has been reported in multiple individuals meeting NIH criteria for neurofibromatosis type I (NF1) (Ambry internal data; Kluwe L et al. J Med Genet, 2003 May;40:368-71; Ko JM et al. Pediatr Neurol, 2013 Jun;48:447-53; Wang X et al. Genes Chromosomes Cancer, 2018 Jan;57:19-27). This variant is considered to be rare based on population cohorts in the Genome Aggregation Database (gnomAD). This amino acid position is highly conserved in available vertebrate species. In addition, this alteration is predicted to be deleterious by in silico analysis. Based on the majority of available evidence to date, this variant is likely to be pathogenic.

Genome Diagnostics Laboratory, The Hospital for Sick Children
Classification: Likely pathogenic for Neurofibromatosis, type 1. Last evaluated: 2020-10-26. Review status: criteria provided, single submitter. Criteria: ACMG Guidelines, 2015. Collection method: clinical testing. Allele origin: germline. Affected: yes.

UniProtKB/Swiss-Prot
No classification provided. Review status: no classification provided. Collection method: not provided. Allele origin: not provided. Not counted in ClinVar's aggregate classification.

Literature cited by the submitters: PubMed 12746402 (cited by Labcorp Genetics (formerly Invitae), Labcorp); PubMed 16479075 (cited by Labcorp Genetics (formerly Invitae), Labcorp); PubMed 17426081 (cited by Labcorp Genetics (formerly Invitae), Labcorp).

NM_001042492.3(NF1):c.1733T>G (p.Leu578Arg)

Gene: NF1 (neurofibromin 1; plus strand). Cytogenetic location: 17q11.2.
Variant type: single nucleotide variant.
Coding change: c.1733T>G on transcript NM_001042492.3 (MANE Select); coding-DNA position 1733, T replaced by G.
Protein change: p.Leu578Arg; replaces leucine 578 with arginine.
Molecular consequence: missense variant.
Genome position (GRCh38, 1-based): chr17:31,223,455, T>G. VCF-style: chr17-31223455-T-G. GRCh37 (hg19) VCF-style: chr17-29550473-T-G.
Other names: c.1733T>G, p.Leu578Arg (NM_000267.4); short protein forms L578R.
Identifiers: ClinVar variation 68304 (VCV000068304.6), dbSNP rs199474774, ClinGen allele CA219405.